The following is an entry in ClinVar:

ClinVar aggregate classification (germline): Uncertain significance (1 of 4 stars; one submission).

Conditions:
Hereditary nonpolyposis colorectal neoplasms. Identifiers: MedGen C0009405, MeSH D003123.

Submission:

Labcorp Genetics (formerly Invitae), Labcorp
Classification: Uncertain significance for Hereditary nonpolyposis colorectal neoplasms. Last evaluated: 2021-09-20. Review status: criteria provided, single submitter. Criteria: Invitae Variant Classification Sherloc (09022015). Collection method: clinical testing. Allele origin: germline.
Comment: In summary, the available evidence is currently insufficient to determine the role of this variant in disease. Therefore, it has been classified as a Variant of Uncertain Significance. Algorithms developed to predict the effect of missense changes on protein structure and function (SIFT, PolyPhen-2, Align-GVGD) all suggest that this variant is likely to be disruptive. This variant has not been reported in the literature in individuals affected with MSH6-related conditions. This variant is not present in population databases (ExAC no frequency). This sequence change replaces aspartic acid with valine at codon 1058 of the MSH6 protein (p.Asp1058Val). The aspartic acid residue is highly conserved and there is a large physicochemical difference between aspartic acid and valine.

NM_000179.3(MSH6):c.3173A>T (p.Asp1058Val)

Gene: MSH6 (mutS homolog 6; plus strand). Cytogenetic location: 2p16.3.
Variant type: single nucleotide variant.
Coding change: c.3173A>T on transcript NM_000179.3 (MANE Select); coding-DNA position 3173, A replaced by T.
Protein change: p.Asp1058Val; replaces aspartic acid 1058 with valine.
Molecular consequence: missense variant.
Genome position (GRCh38, 1-based): chr2:47,803,420, A>T. VCF-style: chr2-47803420-A-T. GRCh37 (hg19) VCF-style: chr2-48030559-A-T.
Other names: c.2783A>T, p.Asp928Val (NM_001281492.2); c.2267A>T, p.Asp756Val (NM_001281493.2, NM_001281494.2); short protein forms D928V, D1058V, D756V.
Identifiers: ClinVar variation 1368698 (VCV001368698.6), dbSNP rs1558386744, ClinGen allele CA346757813.